The following is an entry in ClinVar:

ClinVar aggregate classification (germline): Uncertain significance. Review status: criteria provided, multiple submitters, no conflicts (2 of 4 stars). 2 submissions from 2 submitters: Uncertain significance (2). Last evaluated 2024-09-11.

Conditions:
PLA2G7-related disorder. Also called: PLA2G7-related condition.

gnomAD v4.1: 138 of 1,605,688 alleles (0.0086%); highest among the groups gnomAD compares: Admixed American, 0.22%; 4 homozygotes.

Submissions (2):

Women's Health and Genetics/Laboratory Corporation of America, LabCorp
Classification: Uncertain significance. Last evaluated: 2024-09-11. Review status: criteria provided, single submitter. Criteria: LabCorp Variant Classification Summary - May 2015. Collection method: clinical testing. Allele origin: germline.
Comment: Variant summary: PLA2G7 c.870-3C>A alters a conserved nucleotide located close to a canonical splice site and therefore could affect mRNA splicing, leading to a significantly altered protein sequence. Several computational tools predict a significant impact on normal splicing: One predicts the variant abolishes a 3' acceptor site. One predicts the variant weakens a 3' acceptor site. However, these predictions have yet to be confirmed by functional studies. The variant allele was found at a frequency of 8.6e-05 in 1605688 control chromosomes in the gnomAD database, including 4 homozygotes. To our knowledge, no occurrence of c.870-3C>A in individuals affected with Platelet-Activating Factor Acetylhydrolase Deficiency and no experimental evidence demonstrating its impact on protein function have been reported. No submitters have cited clinical-significance assessments for this variant to ClinVar. Based on the evidence outlined above, the variant was classified as uncertain significance.

Department of Pathology and Laboratory Medicine, Sinai Health System
Classification: Uncertain significance for PLA2G7-related condition. Last evaluated: 2021-07-30. Review status: criteria provided, single submitter. Criteria: ACMG Guidelines, 2015. Collection method: research. Allele origin: germline.

NM_005084.4(PLA2G7):c.870-3C>A

Gene: PLA2G7 (phospholipase A2 group VII; minus strand). Cytogenetic location: 6p12.3.
Variant type: single nucleotide variant.
Coding change: c.870-3C>A on transcript NM_005084.4 (MANE Select); 3 bases into the intron before coding-DNA position 870, C replaced by A.
Molecular consequence: intron variant.
Genome position (GRCh38, 1-based): chr6:46,708,164, G>T on the plus strand (C>A on the coding strand, the complement: PLA2G7 is on the minus strand). VCF-style: chr6-46708164-G-T. GRCh37 (hg19) VCF-style: chr6-46675901-G-T.
Other names: c.870-3C>A (NM_001168357.2).
Identifiers: ClinVar variation 3374890 (VCV003374890.2).